The following is an entry in ClinVar:

NM_000256.3(MYBPC3):c.3816G>A (p.Val1272=)

Gene: MYBPC3 (myosin binding protein C3; minus strand). Cytogenetic location: 11p11.2.
Variant type: single nucleotide variant.
Coding change: c.3816G>A on transcript NM_000256.3 (MANE Select); coding-DNA position 3816, G replaced by A.
Protein change: p.Val1272=; no amino-acid change (valine 1272 retained).
Molecular consequence: synonymous variant.
Genome position (GRCh38, 1-based): chr11:47,331,880, C>T on the plus strand (G>A on the coding strand, the complement: MYBPC3 is on the minus strand). VCF-style: chr11-47331880-C-T. GRCh37 (hg19) VCF-style: chr11-47353431-C-T.
Other names: c.3816G>A, p.Val1272= (LRG_386t1).
Identifiers: ClinVar variation 517858 (VCV000517858.1), dbSNP rs776112819, ClinGen allele CA079592.
Genomic context (GRCh38, chr11:47,331,880, plus strand): 5'-GCCCTGGGTGTCGGGTGGTACATACCTGGCCATCCCCAGGAGCCAGCCTGGTCACTGAGG[C>T]ACTGCAGAAGAGGAGGCCATGTCACTGTGTCCTCCCAGCCTTCTGGAAGCTATTGCCCAT-3'
Protein context (NP_000247.2, residues 1262-1274): ARCECRLEVR[Val1272=]PQ

ClinVar aggregate classification (germline): Likely benign (1 of 4 stars; one submission).

Allele frequency attached by ClinVar (database versions not stated): gnomAD exomes below 0.00001; TOPMed 0.00001; ExAC 0.00001.

Submission:

GeneDx
Classification: Likely benign. Last evaluated: 2017-05-17. Review status: criteria provided, single submitter. Criteria: GeneDx Variant Classification (06012015). Collection method: clinical testing. Allele origin: germline. Affected: yes.
Comment: This variant is considered likely benign or benign based on one or more of the following criteria: it is a conservative change, it occurs at a poorly conserved position in the protein, it is predicted to be benign by multiple in silico algorithms, and/or has population frequency not consistent with disease.